The following is an entry in ClinVar:

NM_001364905.1(LRBA):c.6887C>A (p.Thr2296Asn)

Gene: LRBA (LPS responsive beige-like anchor protein; minus strand). Cytogenetic location: 4q31.3.
Variant type: single nucleotide variant.
Coding change: c.6887C>A on transcript NM_001364905.1 (MANE Select); coding-DNA position 6887, C replaced by A.
Protein change: p.Thr2296Asn; replaces threonine 2296 with asparagine.
Molecular consequence: missense variant.
Genome position (GRCh38, 1-based): chr4:150,436,758, G>T on the plus strand (C>A on the coding strand, the complement: LRBA is on the minus strand). VCF-style: chr4-150436758-G-T. GRCh37 (hg19) VCF-style: chr4-151357910-G-T.
Other names: c.6887C>A, p.Thr2296Asn (NM_001199282.3, NM_001367550.1); c.6920C>A, p.Thr2307Asn (NM_006726.5); short protein forms T2307N, T2296N.
Identifiers: ClinVar variation 197550 (VCV000197550.50), dbSNP rs151286835, ClinGen allele CA245781.

ClinVar aggregate classification (germline): Conflicting classifications of pathogenicity. Review status: criteria provided, conflicting classifications (1 of 4 stars). 6 submissions from 6 submitters: Uncertain significance (4); Likely benign (1). 1 of the submissions does not count toward it. Last evaluated 2026-01-25.

Conditions:
LRBA-related disorder. Also called: LRBA-related condition.
Combined immunodeficiency due to LRBA deficiency. Also called: Common variable immunodeficiency 8, with autoimmunity. Identifiers: Orphanet 445018, MedGen C3553512, MONDO:0013863, OMIM 614700.

Allele frequency attached by ClinVar (database versions not stated): TOPMed 0.00028; ESP Exome Variant Server 0.00038; 1000 Genomes Project 30x 0.00047; 1000 Genomes Project 0.00060; ExAC 0.00072; gnomAD 0.00112 and 0.00113.
gnomAD v4.1: 1,034 of 1,613,108 alleles (0.064%); highest among the groups gnomAD compares: Non-Finnish European, 0.05%; no homozygotes.

Submissions (6):

Labcorp Genetics (formerly Invitae), Labcorp
Classification: Likely benign for Combined immunodeficiency due to LRBA deficiency. Last evaluated: 2026-01-25. Review status: criteria provided, single submitter. Criteria: Invitae Variant Classification Sherloc (09022015). Collection method: clinical testing. Allele origin: germline.

Blueprint Genetics
Classification: Uncertain significance. Last evaluated: 2024-11-22. Review status: criteria provided, single submitter. Criteria: ACMG Guidelines, 2015. Collection method: clinical testing. Allele origin: germline.

CeGaT Center for Human Genetics Tuebingen
Classification: Uncertain significance. Last evaluated: 2021-10-01. Review status: criteria provided, single submitter. Criteria: CeGaT Center For Human Genetics Tuebingen Variant Classification Criteria Version 2. Collection method: clinical testing. Allele origin: germline. Affected: yes. Observed: 2 variant alleles.

Center for Genomics, Ann and Robert H. Lurie Children's Hospital of Chicago
Classification: Uncertain significance for Combined immunodeficiency due to LRBA deficiency. Last evaluated: 2021-05-04. Review status: criteria provided, single submitter. Criteria: ACMG Guidelines, 2015. Collection method: clinical testing. Allele origin: germline.
Comment: LRBA NM_006726.4 exon 46 p.Thr2307Asn (c.6920C>A):This variant has not been reported in the literature but is present in 0.7% (84/10610) of Finnish alleles in the Genome Aggregation Database. This variant is present in ClinVar (Variation ID:197550). Evolutionary conservation and computational predictive tools suggest that this variant may impact the protein. In summary, data on this variant is insufficient for disease classification. Therefore, the clinical significance of this variant is uncertain.

Eurofins Ntd Llc (ga)
Classification: Uncertain significance. Last evaluated: 2015-04-20. Review status: criteria provided, single submitter. Criteria: EGL Classification Definitions 2015. Collection method: clinical testing. Allele origin: germline. Observed: 1 variant allele, 1 heterozygote.

PreventionGenetics, part of Exact Sciences
Classification: Likely benign for LRBA-related condition. Last evaluated: 2019-09-17. Review status: no assertion criteria provided. Collection method: clinical testing. Allele origin: germline. Not counted in ClinVar's aggregate classification.
Comment: This variant is classified as likely benign based on ACMG/AMP sequence variant interpretation guidelines (Richards et al. 2015 PMID: 25741868, with internal and published modifications).